The following is an entry in ClinVar:

NM_201384.3(PLEC):c.10042C>T (p.Arg3348Trp)

Gene: PLEC (plectin; minus strand). Cytogenetic location: 8q24.3.
Variant type: single nucleotide variant.
Coding change: c.10042C>T on transcript NM_201384.3 (MANE Select); coding-DNA position 10042, C replaced by T.
Protein change: p.Arg3348Trp; replaces arginine 3348 with tryptophan.
Molecular consequence: missense variant.
Genome position (GRCh38, 1-based): chr8:143,919,779, G>A on the plus strand (C>T on the coding strand, the complement: PLEC is on the minus strand). VCF-style: chr8-143919779-G-A. GRCh37 (hg19) VCF-style: chr8-144993947-G-A.
Other names: c.10123C>T (NM_000445.3); c.10123C>T, p.Arg3375Trp (NM_000445.5); c.6742C>T, p.Arg2248Trp (NM_001410941.1); c.10000C>T, p.Arg3334Trp (NM_201378.4); c.9976C>T, p.Arg3326Trp (NM_201379.3); c.10453C>T, p.Arg3485Trp (NM_201380.4); c.9946C>T, p.Arg3316Trp (NM_201381.3); c.10042C>T, p.Arg3348Trp (NM_201382.4); and 1 more; short protein forms R3348W, R2248W, R3334W, R3316W, R3326W, R3352W, R3375W, R3485W.
Identifiers: ClinVar variation 2196566 (VCV002196566.8), dbSNP rs782069625, ClinGen allele CA4924776.

ClinVar aggregate classification (germline): Uncertain significance. Review status: criteria provided, multiple submitters, no conflicts (2 of 4 stars). 3 submissions from 3 submitters: Uncertain significance (3). Last evaluated 2025-12-15.

Conditions:
Epidermolysis bullosa simplex, Ogna type (EBS5A). Also called: Pidermolysis bullosa simplex 5A, Ogna type; EPIDERMOLYSIS BULLOSA SIMPLEX 5A, OGNA TYPE. Identifiers: Orphanet 79401, MedGen C0432317, MONDO:0007555, OMIM 131950.
Epidermolysis bullosa simplex 5C, with pyloric atresia (EBS5C). Also called: PLEC-Related Epidermolysis Bullosa with Pyloric Atresia; Epidermolysis bullosa simplex with pyloric atresia; PLEC1-Related Epidermolysis Bullosa with Pyloric Atresia. Identifiers: Orphanet 158684, MedGen C2677349, MONDO:0012807, OMIM 612138.
Epidermolysis bullosa simplex with nail dystrophy (EBS5D). Identifiers: MedGen C4225309, MONDO:0014661, OMIM 616487.
Autosomal recessive limb-girdle muscular dystrophy type 2Q (LGMDR17). Also called: MUSCULAR DYSTROPHY, LIMB-GIRDLE, AUTOSOMAL RECESSIVE 17. Identifiers: Orphanet 254361, MedGen C3150989, MONDO:0013390, OMIM 613723.
Epidermolysis bullosa simplex 5B, with muscular dystrophy (EBS5B). Also called: Epidermolysis bullosa simplex with muscular dystrophy; EPIDERMOLYSIS BULLOSA SIMPLEX AND LIMB-GIRDLE MUSCULAR DYSTROPHY. Identifiers: Orphanet 257, MedGen C2931072, MONDO:0009181, OMIM 226670.
Inborn genetic diseases. Identifiers: MedGen C0950123, MeSH D030342.

Allele frequency attached by ClinVar (database versions not stated): ExAC 0.00002; TOPMed 0.00002; gnomAD 0.00003; gnomAD exomes 0.00003.
gnomAD v4.1: 42 of 1,612,106 alleles (0.0026%); highest among the groups gnomAD compares: South Asian, 0.0044%; 1 homozygote.

Submissions (3):

Ambry Genetics
Classification: Uncertain significance for Inborn genetic diseases. Last evaluated: 2025-12-15. Review status: criteria provided, single submitter. Criteria: Ambry Variant Classification Scheme 2023. Collection method: clinical testing. Allele origin: germline.

Labcorp Genetics (formerly Invitae), Labcorp
Classification: Uncertain significance for Autosomal recessive limb-girdle muscular dystrophy type 2Q; Epidermolysis bullosa simplex, Ogna type; Epidermolysis bullosa simplex with nail dystrophy; Epidermolysis bullosa simplex 5C, with pyloric atresia; Epidermolysis bullosa simplex 5B, with muscular dystrophy. Last evaluated: 2025-02-10. Review status: criteria provided, single submitter. Criteria: Invitae Variant Classification Sherloc (09022015). Collection method: clinical testing. Allele origin: germline.
Comment: This sequence change replaces arginine, which is basic and polar, with tryptophan, which is neutral and slightly polar, at codon 3375 of the PLEC protein (p.Arg3375Trp). This variant is present in population databases (rs782069625, gnomAD 0.03%), including at least one homozygous and/or hemizygous individual. This variant has not been reported in the literature in individuals affected with PLEC-related conditions. ClinVar contains an entry for this variant (Variation ID: 2196566). An algorithm developed to predict the effect of missense changes on protein structure and function (PolyPhen-2) suggests that this variant is likely to be disruptive. In summary, the available evidence is currently insufficient to determine the role of this variant in disease. Therefore, it has been classified as a Variant of Uncertain Significance.

Revvity Omics, Revvity
Classification: Uncertain significance. Last evaluated: 2023-03-14. Review status: criteria provided, single submitter. Criteria: ACMG Guidelines, 2015. Collection method: clinical testing. Allele origin: germline.